The following is an entry in ClinVar:

NC_000011.10:g.(?_108248923)_(108249112_?)del

Gene: ATM (ATM serine/threonine kinase; plus strand). Cytogenetic location: 11q22.3.
Variant type: Deletion.
Identifiers: ClinVar variation 831230 (VCV000831230.1).

ClinVar aggregate classification (germline): Pathogenic (1 of 4 stars; one submission).

Conditions:
Ataxia-telangiectasia syndrome (AT). Also called: ATAXIA-TELANGIECTASIA, COMPLEMENTATION GROUP A; ATAXIA-TELANGIECTASIA, FRESNO VARIANT; Ataxia-telangiectasia, complementation group E; Ataxia telangiectasia (A-T); LOUIS-BAR SYNDROME; Cerebello-oculocutaneous telangiectasia. Identifiers: Orphanet 100, MedGen C0004135, MONDO:0008840, OMIM 208900.

Submission:

Labcorp Genetics (formerly Invitae), Labcorp
Classification: Pathogenic for Ataxia-telangiectasia syndrome. Last evaluated: 2019-10-18. Review status: criteria provided, single submitter. Criteria: Invitae Variant Classification Sherloc (09022015). Collection method: clinical testing. Allele origin: germline.
Comment: This variant is an out-of-frame deletion of the genomic region encompassing exon 9 of the ATM gene. This is expected to create a premature translational stop signal and result in an absent or disrupted protein product. Deletion of exon 9 has not been reported in the literature in individuals with ATM-related disease. Loss-of-function variants in ATM are known to be pathogenic (PMID: 23807571, 25614872). For these reasons, this variant has been classified as Pathogenic.